The following is an entry in ClinVar:

NM_000197.2(HSD17B3):c.334A>G (p.Ile112Val)

Genes: HSD17B3 (hydroxysteroid 17-beta dehydrogenase 3; minus strand), SLC35D2-HSD17B3 (SLC35D2-HSD17B3 readthrough; minus strand). Cytogenetic location: 9q22.32.
Variant type: single nucleotide variant.
Coding change: c.334A>G on transcript NM_000197.2 (MANE Select); coding-DNA position 334, A replaced by G.
Protein change: p.Ile112Val; replaces isoleucine 112 with valine.
Molecular consequence: missense variant.
Genome position (GRCh38, 1-based): chr9:96,252,854, T>C on the plus strand (A>G on the coding strand, the complement: HSD17B3 is on the minus strand). VCF-style: chr9-96252854-T-C. GRCh37 (hg19) VCF-style: chr9-99015136-T-C.
Other names: short protein forms I112V.
Identifiers: ClinVar variation 1487730 (VCV001487730.8), dbSNP rs2130730164, ClinGen allele CA374125592.

ClinVar aggregate classification (germline): Uncertain significance (1 of 4 stars; one submission).

Allele frequency attached by ClinVar (database versions not stated): gnomAD exomes below 0.00001.
gnomAD v4.1: 1 of 1,613,794 alleles (0.000062%); highest among the groups gnomAD compares: South Asian, 0.0011%; no homozygotes.

Submission:

Labcorp Genetics (formerly Invitae), Labcorp
Classification: Uncertain significance. Last evaluated: 2021-07-06. Review status: criteria provided, single submitter. Criteria: Invitae Variant Classification Sherloc (09022015). Collection method: clinical testing. Allele origin: germline.
Comment: This sequence change replaces isoleucine with valine at codon 112 of the HSD17B3 protein (p.Ile112Val). The isoleucine residue is highly conserved and there is a small physicochemical difference between isoleucine and valine. This variant is not present in population databases (ExAC no frequency). This variant has not been reported in the literature in individuals affected with HSD17B3-related conditions. Algorithms developed to predict the effect of missense changes on protein structure and function (SIFT, PolyPhen-2, Align-GVGD) all suggest that this variant is likely to be tolerated. In summary, the available evidence is currently insufficient to determine the role of this variant in disease. Therefore, it has been classified as a Variant of Uncertain Significance.